The following is an entry in ClinVar:

NM_000195.5(HPS1):c.1697C>T (p.Ser566Leu)

Gene: HPS1 (HPS1 biogenesis of lysosomal organelles complex 3 subunit 1; minus strand). Cytogenetic location: 10q24.2.
Variant type: single nucleotide variant.
Coding change: c.1697C>T on transcript NM_000195.5 (MANE Select); coding-DNA position 1697, C replaced by T.
Protein change: p.Ser566Leu; replaces serine 566 with leucine.
Molecular consequence: missense variant.
Genome position (GRCh38, 1-based): chr10:98,422,415, G>A on the plus strand (C>T on the coding strand, the complement: HPS1 is on the minus strand). VCF-style: chr10-98422415-G-A. GRCh37 (hg19) VCF-style: chr10-100182172-G-A.
Other names: c.725C>T, p.Ser242Leu (NM_001311345.2, NM_001322487.2, NM_001322489.2); c.1697C>T, p.Ser566Leu (NM_001322476.2, NM_001322477.2); c.1598C>T, p.Ser533Leu (NM_001322478.2, NM_001322479.2); c.1436C>T, p.Ser479Leu (NM_001322480.2, NM_001322481.2); c.1337C>T, p.Ser446Leu (NM_001322482.2); c.1328C>T, p.Ser443Leu (NM_001322483.2, NM_001322484.2); c.1229C>T, p.Ser410Leu (NM_001322485.2); short protein forms S242L, S410L, S443L, S533L, S566L, S446L, S479L.
Identifiers: ClinVar variation 1419463 (VCV001419463.6), dbSNP rs1271147542, ClinGen allele CA378043964.

ClinVar aggregate classification (germline): Uncertain significance. Review status: criteria provided, multiple submitters, no conflicts (2 of 4 stars). 2 submissions from 2 submitters: Uncertain significance (2). Last evaluated 2022-06-13.

Conditions:
Hermansky-Pudlak syndrome 1 (HPS1). Also called: DELTA STORAGE POOL DISEASE. Identifiers: Orphanet 231500, Orphanet 79430, MedGen C2931875, MONDO:0008748, OMIM 203300.

Allele frequency attached by ClinVar (database versions not stated): gnomAD exomes below 0.00001.
gnomAD v4.1: 7 of 1,613,556 alleles (0.00043%); highest among the groups gnomAD compares: African/African-American, 0.0013%; no homozygotes.

Submissions (2):

Labcorp Genetics (formerly Invitae), Labcorp
Classification: Uncertain significance. Last evaluated: 2022-06-13. Review status: criteria provided, single submitter. Criteria: Invitae Variant Classification Sherloc (09022015). Collection method: clinical testing. Allele origin: germline.
Comment: This sequence change replaces serine, which is neutral and polar, with leucine, which is neutral and non-polar, at codon 566 of the HPS1 protein (p.Ser566Leu). This variant is present in population databases (no rsID available, gnomAD 0.003%). This variant has not been reported in the literature in individuals affected with HPS1-related conditions. Algorithms developed to predict the effect of missense changes on protein structure and function (SIFT, PolyPhen-2, Align-GVGD) all suggest that this variant is likely to be tolerated. In summary, the available evidence is currently insufficient to determine the role of this variant in disease. Therefore, it has been classified as a Variant of Uncertain Significance.

Fulgent Genetics
Classification: Uncertain significance for Hermansky-Pudlak syndrome 1. Last evaluated: 2021-10-14. Review status: criteria provided, single submitter. Criteria: ACMG Guidelines, 2015. Collection method: clinical testing. Allele origin: unknown.